The following is an entry in ClinVar:

NM_014680.5(BLTP2):c.336C>T (p.Ser112=)

Gene: BLTP2 (bridge-like lipid transfer protein family member 2; minus strand). Cytogenetic location: 17q11.2.
Variant type: single nucleotide variant.
Coding change: c.336C>T on transcript NM_014680.5 (MANE Select); coding-DNA position 336, C replaced by T.
Protein change: p.Ser112=; no amino-acid change (serine 112 retained).
Molecular consequence: synonymous variant. On other transcripts: 5 prime UTR variant (2), intron variant (2).
Genome position (GRCh38, 1-based): chr17:28,643,224, G>A on the plus strand (C>T on the coding strand, the complement: BLTP2 is on the minus strand). VCF-style: chr17-28643224-G-A. GRCh37 (hg19) VCF-style: chr17-26970242-G-A.
Other names: c.336C>T, p.Ser112= (NM_001321560.2, NM_001321561.2); c.-1484C>T (NM_001363828.1); c.-1920C>T (NM_001363829.1); c.-33-237C>T (NM_001363826.1); c.-623-237C>T (NM_001363827.1).
Identifiers: ClinVar variation 2647596 (VCV002647596.24), dbSNP rs142215136, ClinGen allele CA8463890.

ClinVar aggregate classification (germline): Likely benign (1 of 4 stars; one submission).

Allele frequency attached by ClinVar (database versions not stated): TOPMed 0.00022; gnomAD 0.00023; ESP Exome Variant Server 0.00038.
gnomAD v4.1: 439 of 1,614,012 alleles (0.027%); highest among the groups gnomAD compares: Non-Finnish European, 0.034%; no homozygotes.

Submission:

CeGaT Center for Human Genetics Tuebingen
Classification: Likely benign. Last evaluated: 2022-05-01. Review status: criteria provided, single submitter. Criteria: CeGaT Center For Human Genetics Tuebingen Variant Classification Criteria Version 2. Collection method: clinical testing. Allele origin: germline. Affected: yes. Observed: 1 variant allele.
Comment: BLTP2: BP4, BP7